The following is an entry in ClinVar:

ClinVar aggregate classification (germline): Uncertain significance. Review status: criteria provided, multiple submitters, no conflicts (2 of 4 stars). 2 submissions from 2 submitters: Uncertain significance (2). Last evaluated 2022-07-21.

Conditions:
Inborn genetic diseases. Identifiers: MedGen C0950123, MeSH D030342.

Allele frequency attached by ClinVar (database versions not stated): gnomAD exomes 0.00002; ExAC 0.00003; gnomAD 0.00003; TOPMed 0.00003.
gnomAD v4.1: 31 of 1,613,990 alleles (0.0019%); highest among the groups gnomAD compares: Non-Finnish European, 0.0026%; no homozygotes.

Submissions (2):

Labcorp Genetics (formerly Invitae), Labcorp
Classification: Uncertain significance. Last evaluated: 2022-07-21. Review status: criteria provided, single submitter. Criteria: Invitae Variant Classification Sherloc (09022015). Collection method: clinical testing. Allele origin: germline.
Comment: This sequence change replaces lysine, which is basic and polar, with threonine, which is neutral and polar, at codon 181 of the ERCC2 protein (p.Lys181Thr). This variant is present in population databases (rs774109145, gnomAD 0.004%). This variant has not been reported in the literature in individuals affected with ERCC2-related conditions. Algorithms developed to predict the effect of missense changes on protein structure and function are either unavailable or do not agree on the potential impact of this missense change (SIFT: "Tolerated"; PolyPhen-2: "Probably Damaging"; Align-GVGD: "Class C0"). In summary, the available evidence is currently insufficient to determine the role of this variant in disease. Therefore, it has been classified as a Variant of Uncertain Significance.

Ambry Genetics
Classification: Uncertain significance for Inborn genetic diseases. Last evaluated: 2021-07-20. Review status: criteria provided, single submitter. Criteria: Ambry Variant Classification Scheme 2023. Collection method: clinical testing. Allele origin: germline.

NM_000400.4(ERCC2):c.542A>C (p.Lys181Thr)

Gene: ERCC2 (ERCC excision repair 2, TFIIH core complex helicase subunit; minus strand). Cytogenetic location: 19q13.32.
Variant type: single nucleotide variant.
Coding change: c.542A>C on transcript NM_000400.4 (MANE Select); coding-DNA position 542, A replaced by C.
Protein change: p.Lys181Thr; replaces lysine 181 with threonine.
Molecular consequence: missense variant.
Genome position (GRCh38, 1-based): chr19:45,364,890, T>G on the plus strand (A>C on the coding strand, the complement: ERCC2 is on the minus strand). VCF-style: chr19-45364890-T-G. GRCh37 (hg19) VCF-style: chr19-45868148-T-G.
Other names: c.470A>C, p.Lys157Thr (NM_001130867.2); short protein forms K181T, K157T.
Identifiers: ClinVar variation 2170256 (VCV002170256.2), dbSNP rs774109145, ClinGen allele CA9513750.
Genomic context (GRCh38, chr19:45,364,890, plus strand): 5'-CTCCTCACTGAGTATCGAGCAAGGAAGTATGGGCACCAGCCCTGGCGCCGCCCCAGGGCC[T>G]TCAGGTCATCCAGGTTGTAGATGCCAGCGGGGAGGGGCACCTCACGCCCATGGGCATCAA-3'
Protein context (NP_000391.1, residues 171-191): PAGIYNLDDL[Lys181Thr]ALGRRQGWCP